The following is an entry in ClinVar:

ClinVar aggregate classification (germline): Uncertain significance. Review status: criteria provided, multiple submitters, no conflicts (2 of 4 stars). 2 submissions from 2 submitters: Uncertain significance (2). Last evaluated 2026-01-22.

Allele frequency attached by ClinVar (database versions not stated): gnomAD exomes 0.00001.
gnomAD v4.1: 15 of 1,613,818 alleles (0.00093%); highest among the groups gnomAD compares: East Asian, 0.018%; no homozygotes.

Submissions (2):

GeneDx
Classification: Uncertain significance. Last evaluated: 2026-01-22. Review status: criteria provided, single submitter. Criteria: GeneDx Variant Classification Process June 2021. Collection method: clinical testing. Allele origin: germline.
Comment: In silico analysis supports that this missense variant has a deleterious effect on protein structure/function; Has not been previously published as pathogenic or benign to our knowledge

Labcorp Genetics (formerly Invitae), Labcorp
Classification: Uncertain significance. Last evaluated: 2024-10-06. Review status: criteria provided, single submitter. Criteria: Invitae Variant Classification Sherloc (09022015). Collection method: clinical testing. Allele origin: germline.
Comment: This sequence change replaces arginine, which is basic and polar, with cysteine, which is neutral and slightly polar, at codon 326 of the GPAA1 protein (p.Arg326Cys). This variant is present in population databases (rs532849593, gnomAD 0.02%). This variant has not been reported in the literature in individuals affected with GPAA1-related conditions. ClinVar contains an entry for this variant (Variation ID: 1426169). Invitae Evidence Modeling of protein sequence and biophysical properties (such as structural, functional, and spatial information, amino acid conservation, physicochemical variation, residue mobility, and thermodynamic stability) indicates that this missense variant is expected to disrupt GPAA1 protein function with a positive predictive value of 80%. In summary, the available evidence is currently insufficient to determine the role of this variant in disease. Therefore, it has been classified as a Variant of Uncertain Significance.

NM_003801.4(GPAA1):c.976C>T (p.Arg326Cys)

Gene: GPAA1 (glycosylphosphatidylinositol anchor attachment 1; plus strand). Cytogenetic location: 8q24.3.
Variant type: single nucleotide variant.
Coding change: c.976C>T on transcript NM_003801.4 (MANE Select); coding-DNA position 976, C replaced by T.
Protein change: p.Arg326Cys; replaces arginine 326 with cysteine.
Molecular consequence: missense variant.
Genome position (GRCh38, 1-based): chr8:144,084,575, C>T. VCF-style: chr8-144084575-C-T. GRCh37 (hg19) VCF-style: chr8-145139478-C-T.
Other names: c.976C>T (NM_003801.3); short protein forms R326C.
Identifiers: ClinVar variation 1426169 (VCV001426169.6), dbSNP rs532849593, ClinGen allele CA4932990.